The following is an entry in ClinVar:

NM_006767.4(LZTR1):c.2406+6G>C

Gene: LZTR1 (leucine zipper like post translational regulator 1; plus strand). Cytogenetic location: 22q11.21.
Variant type: single nucleotide variant.
Coding change: c.2406+6G>C on transcript NM_006767.4 (MANE Select); 6 bases into the intron after coding-DNA position 2406, G replaced by C.
Molecular consequence: intron variant.
Genome position (GRCh38, 1-based): chr22:20,996,972, G>C. VCF-style: chr22-20996972-G-C. GRCh37 (hg19) VCF-style: chr22-21351261-G-C.
Identifiers: ClinVar variation 3618634 (VCV003618634.2).

ClinVar aggregate classification (germline): Uncertain significance (1 of 4 stars; one submission).

gnomAD v4.1: 1 of 1,613,126 alleles (0.000062%); highest among the groups gnomAD compares: Non-Finnish European, 0.000085%; no homozygotes.

Submission:

Labcorp Genetics (formerly Invitae), Labcorp
Classification: Uncertain significance. Last evaluated: 2025-11-03. Review status: criteria provided, single submitter. Criteria: Invitae Variant Classification Sherloc (09022015). Collection method: clinical testing. Allele origin: germline.
Comment: This sequence change falls in intron 20 of the LZTR1 gene. It does not directly change the encoded amino acid sequence of the LZTR1 protein. It affects a nucleotide within the consensus splice site. This variant is not present in population databases (gnomAD no frequency). This variant has not been reported in the literature in individuals affected with LZTR1-related conditions. ClinVar contains an entry for this variant (Variation ID: 3618634). Variants that disrupt the consensus splice site are a relatively common cause of aberrant splicing (PMID: 17576681, 9536098). Algorithms developed to predict the effect of sequence changes on RNA splicing suggest that this variant is not likely to affect RNA splicing. In summary, the available evidence is currently insufficient to determine the role of this variant in disease. Therefore, it has been classified as a Variant of Uncertain Significance.

Literature cited by the submitters: PubMed 17576681; PubMed 9536098.